The following is an entry in ClinVar:

ClinVar aggregate classification (germline): Uncertain significance. Review status: criteria provided, multiple submitters, no conflicts (2 of 4 stars). 3 submissions from 3 submitters: Uncertain significance (3). Last evaluated 2024-07-30.

Conditions:
Cardiovascular phenotype. Identifiers: MedGen CN230736.
Cardiomyopathy (CMYO). Also called: Cardiomyopathies. Identifiers: Orphanet 167848, MedGen C0878544, MONDO:0004994, HP:0001638. Inheritance: Various modes of inheritance.
Hypertrophic cardiomyopathy. Also called: HYPERTROPHIC MYOCARDIOPATHY. Identifiers: Orphanet 217569, MedGen C0007194, MeSH D002312, MONDO:0005045, HP:0001639.

Allele frequency attached by ClinVar (database versions not stated): gnomAD exomes below 0.00001; ExAC 0.00001; TOPMed 0.00001.
gnomAD v4.1: 2 of 1,614,070 alleles (0.00012%); highest among the groups gnomAD compares: Non-Finnish European, 0.00017%; no homozygotes.

Submissions (3):

Labcorp Genetics (formerly Invitae), Labcorp
Classification: Uncertain significance for Hypertrophic cardiomyopathy. Last evaluated: 2024-07-30. Review status: criteria provided, single submitter. Criteria: Invitae Variant Classification Sherloc (09022015). Collection method: clinical testing. Allele origin: germline.
Comment: This sequence change affects codon 893 of the MYH7 mRNA. It is a 'silent' change, meaning that it does not change the encoded amino acid sequence of the MYH7 protein. This variant also falls at the last nucleotide of exon 22, which is part of the consensus splice site for this exon. This variant is present in population databases (rs765038766, gnomAD 0.007%). This variant has not been reported in the literature in individuals affected with MYH7-related conditions. ClinVar contains an entry for this variant (Variation ID: 454360). Variants that disrupt the consensus splice site are a relatively common cause of aberrant splicing (PMID: 17576681, 9536098). Algorithms developed to predict the effect of sequence changes on RNA splicing suggest that this variant may disrupt the consensus splice site. In summary, the available evidence is currently insufficient to determine the role of this variant in disease. Therefore, it has been classified as a Variant of Uncertain Significance.

All of Us Research Program, National Institutes of Health
Classification: Uncertain significance for Cardiomyopathy. Last evaluated: 2024-04-16. Review status: criteria provided, single submitter. Criteria: ACMG Guidelines, 2015. Collection method: clinical testing. Allele origin: germline. Inheritance: Autosomal dominant inheritance. Observed: 3 variant alleles, 3 heterozygotes.
Comment: This synonymous variant does not change the encoded amino acid at codon 893 of the MYH7 protein, but it causes a G to A substitution at the last nucleotide of exon 22 of the MYH7 gene. Splice site prediction tools are inconclusive regarding the impact of this variant on RNA splicing. To our knowledge, functional studies have not been reported for this variant. This variant has not been reported in individuals affected with cardiovascular disorders in the literature. This variant has been identified in 1/250384 chromosomes in the general population by the Genome Aggregation Database (gnomAD). The available evidence is insufficient to determine the role of this variant in disease conclusively. Therefore, this variant is classified as a Variant of Uncertain Significance.

This study involves interpretation of variants in research participants for the purpose of population health screening. Participant phenotype was not available at the time of variant classification. Additional details can be found in publication PMID: 35346344, PMCID: PMC8962531

Ambry Genetics
Classification: Uncertain significance for Cardiovascular phenotype. Last evaluated: 2022-10-11. Review status: criteria provided, single submitter. Criteria: Ambry Variant Classification Scheme 2023. Collection method: clinical testing. Allele origin: germline.
Comment: The c.2679G>A variant (also known as p.A893A), located in coding exon 20 of the MYH7 gene, results from a G to A substitution at nucleotide position 2679. This nucleotide substitution does not change the alanine at codon 893. However, this change occurs in the last base pair of coding exon 20, which makes it likely to have some effect on normal mRNA splicing. This nucleotide position is not well conserved in available vertebrate species. In silico splice site analysis for this alteration is inconclusive. Since supporting evidence is limited at this time, the clinical significance of this alteration remains unclear.

Literature cited by the submitters: PubMed 17576681 (cited by Labcorp Genetics (formerly Invitae), Labcorp); PubMed 9536098 (cited by Labcorp Genetics (formerly Invitae), Labcorp).

NM_000257.4(MYH7):c.2679G>A (p.Ala893=)

Genes: MYH7 (myosin heavy chain 7; minus strand), LOC126861898 (BRD4-independent group 4 enhancer GRCh37_chr14:23893609-23894808; plus strand). Cytogenetic location: 14q11.2.
Variant type: single nucleotide variant.
Coding change: c.2679G>A on transcript NM_000257.4 (MANE Select); coding-DNA position 2679, G replaced by A.
Protein change: p.Ala893=; no amino-acid change (alanine 893 retained).
Molecular consequence: synonymous variant.
Genome position (GRCh38, 1-based): chr14:23,424,769, C>T on the plus strand (G>A on the coding strand, the complement: MYH7 is on the minus strand). VCF-style: chr14-23424769-C-T. GRCh37 (hg19) VCF-style: chr14-23893978-C-T.
Identifiers: ClinVar variation 454360 (VCV000454360.16), dbSNP rs765038766, ClinGen allele CA033836.